The following is an entry in ClinVar:

NM_145059.3(FCSK):c.3182T>C (p.Val1061Ala)

Gene: FCSK (fucose kinase; plus strand). Cytogenetic location: 16q22.1.
Variant type: single nucleotide variant.
Coding change: c.3182T>C on transcript NM_145059.3 (MANE Select); coding-DNA position 3182, T replaced by C.
Protein change: p.Val1061Ala; replaces valine 1061 with alanine.
Molecular consequence: missense variant.
Genome position (GRCh38, 1-based): chr16:70,479,607, T>C. VCF-style: chr16-70479607-T-C. GRCh37 (hg19) VCF-style: chr16-70513510-T-C.
Other names: c.3182T>C (NM_145059.2); short protein forms V1061A.
Identifiers: ClinVar variation 1989711 (VCV001989711.7), dbSNP rs771003295, ClinGen allele CA8143911.

ClinVar aggregate classification (germline): Uncertain significance. Review status: criteria provided, multiple submitters, no conflicts (2 of 4 stars). 2 submissions from 2 submitters: Uncertain significance (2). Last evaluated 2025-10-29.

Allele frequency attached by ClinVar (database versions not stated): gnomAD 0.00001; TOPMed 0.00004.
gnomAD v4.1: 17 of 1,613,950 alleles (0.0011%); highest among the groups gnomAD compares: East Asian, 0.013%; no homozygotes.

Submissions (2):

Ambry Genetics
Classification: Uncertain significance. Last evaluated: 2025-10-29. Review status: criteria provided, single submitter. Criteria: Ambry Variant Classification Scheme 2023. Collection method: clinical testing. Allele origin: germline.

Labcorp Genetics (formerly Invitae), Labcorp
Classification: Uncertain significance. Last evaluated: 2024-10-24. Review status: criteria provided, single submitter. Criteria: Invitae Variant Classification Sherloc (09022015). Collection method: clinical testing. Allele origin: germline.
Comment: This sequence change replaces valine, which is neutral and non-polar, with alanine, which is neutral and non-polar, at codon 1061 of the FUK protein (p.Val1061Ala). This variant is present in population databases (rs771003295, gnomAD 0.005%). This variant has not been reported in the literature in individuals affected with FUK-related conditions. ClinVar contains an entry for this variant (Variation ID: 1989711). An algorithm developed to predict the effect of missense changes on protein structure and function (PolyPhen-2) suggests that this variant is likely to be tolerated. In summary, the available evidence is currently insufficient to determine the role of this variant in disease. Therefore, it has been classified as a Variant of Uncertain Significance.